The following is an entry in ClinVar:

ClinVar aggregate classification (germline): Pathogenic (1 of 4 stars; one submission).

Conditions:
Pierson syndrome. Also called: MICROCORIA-CONGENITAL NEPHROTIC SYNDROME. Identifiers: Orphanet 2670, MedGen C1836876, MONDO:0012184, OMIM 609049.
LAMB2-related infantile-onset nephrotic syndrome. Also called: NEPHROTIC SYNDROME, TYPE 5, WITHOUT OCULAR ABNORMALITIES; NEPHROTIC SYNDROME, TYPE 5, WITH OCULAR ABNORMALITIES; Nephrotic Syndrome, type 5. Identifiers: Orphanet 306507, MedGen C3280113, MONDO:0013621, OMIM 614199.

Submission:

Labcorp Genetics (formerly Invitae), Labcorp
Classification: Pathogenic for LAMB2-related infantile-onset nephrotic syndrome; Pierson syndrome. Last evaluated: 2025-06-12. Review status: criteria provided, single submitter. Criteria: Invitae Variant Classification Sherloc (09022015). Collection method: clinical testing. Allele origin: germline.
Comment: This sequence change creates a premature translational stop signal (p.Gly1160Alafs*50) in the LAMB2 gene. It is expected to result in an absent or disrupted protein product. Loss-of-function variants in LAMB2 are known to be pathogenic (PMID: 15367484). This variant is present in population databases (no rsID available, gnomAD 0.0009%). This variant has not been reported in the literature in individuals affected with LAMB2-related conditions. ClinVar contains an entry for this variant (Variation ID: 1446226). For these reasons, this variant has been classified as Pathogenic.

Literature cited by the submitters: PubMed 15367484.

NM_002292.4(LAMB2):c.3477_3483del (p.Gly1160fs)

Gene: LAMB2 (laminin subunit beta 2; minus strand). Cytogenetic location: 3p21.31.
Variant type: Deletion.
Coding change: c.3477_3483del on transcript NM_002292.4 (MANE Select); coding-DNA positions 3477 to 3483, 7 bases deleted (AGGTCAC; older notation c.3477_3483delAGGTCAC).
Protein change: p.Gly1160fs; shifts the reading frame from glycine 1160.
Molecular consequence: frameshift variant.
Genome position (GRCh38, 1-based): chr3:49,124,042-49,124,048, GTGACCT deleted on the plus strand (AGGTCAC on the coding strand, the reverse complement: LAMB2 is on the minus strand); deleting any 7 consecutive bases within chr3:49,124,042-49,124,052 gives the same sequence; the c. name uses the placement nearest the transcript's 3' end. VCF-style (leftmost placement, unchanged base first): chr3-49124041-AGTGACCT-A. GRCh37 (hg19) VCF-style: chr3-49161474-AGTGACCT-A.
Other names: short protein forms G1160fs.
Identifiers: ClinVar variation 1446226 (VCV001446226.6), dbSNP rs1357326383, ClinGen allele CA543048587.